The following is an entry in ClinVar:

NM_002382.5(MAX):c.330A>C (p.Gln110His)

Gene: MAX (MYC associated transcriptional regulator X; minus strand). Cytogenetic location: 14q23.3.
Variant type: single nucleotide variant.
Coding change: c.330A>C on transcript NM_002382.5 (MANE Select); coding-DNA position 330, A replaced by C.
Protein change: p.Gln110His; replaces glutamine 110 with histidine.
Molecular consequence: missense variant. On other transcripts: 3 prime UTR variant (1), intron variant (2).
Genome position (GRCh38, 1-based): chr14:65,076,629, T>G on the plus strand (A>C on the coding strand, the complement: MAX is on the minus strand). VCF-style: chr14-65076629-T-G. GRCh37 (hg19) VCF-style: chr14-65543347-T-G.
Other names: c.141A>C, p.Gln47His (NM_001320415.2, NM_001407105.1, NM_001407106.1 and 1 more transcripts); c.330A>C, p.Gln110His (NM_001407094.1); c.303A>C, p.Gln101His (NM_001407095.1, NM_145112.3); c.*103A>C (NM_001407096.1, NM_001407099.1, NM_001407102.1 and 2 more transcripts); c.*119A>C (NM_001407097.1, NM_001407100.1, NM_001407101.1 and 4 more transcripts); c.222A>C, p.Gln74His (NM_001407098.1); c.129A>C, p.Gln43His (NM_001407111.1, NM_001407112.1); c.144+17079A>C (NM_001271069.2); and 1 more; short protein forms Q47H, Q101H, Q110H, Q43H, Q74H.
Identifiers: ClinVar variation 1730046 (VCV001730046.3), dbSNP rs772661746, ClinGen allele CA390031874.

ClinVar aggregate classification (germline): Uncertain significance (1 of 4 stars; one submission).

Conditions:
Hereditary cancer-predisposing syndrome. Also called: Neoplastic Syndromes, Hereditary; Tumor predisposition; Hereditary Cancer Syndrome; Hereditary neoplastic syndrome. Identifiers: Orphanet 140162, MedGen C0027672, MeSH D009386, MONDO:0015356.

Submission:

Ambry Genetics
Classification: Uncertain significance for Hereditary cancer-predisposing syndrome. Last evaluated: 2024-09-30. Review status: criteria provided, single submitter. Criteria: Ambry Variant Classification Scheme 2023. Collection method: clinical testing. Allele origin: germline.
Comment: The p.Q110H variant (also known as c.330A>C), located in coding exon 5 of the MAX gene, results from an A to C substitution at nucleotide position 330. The glutamine at codon 110 is replaced by histidine, an amino acid with highly similar properties. This amino acid position is conserved. In addition, this alteration is predicted to be tolerated by in silico analysis. Since supporting evidence is limited at this time, the clinical significance of this alteration remains unclear.